The following is an entry in ClinVar:

NM_033026.6(PCLO):c.178A>T (p.Met60Leu)

Gene: PCLO (piccolo presynaptic cytomatrix protein; minus strand). Cytogenetic location: 7q21.11.
Variant type: single nucleotide variant.
Coding change: c.178A>T on transcript NM_033026.6 (MANE Select); coding-DNA position 178, A replaced by T.
Protein change: p.Met60Leu; replaces methionine 60 with leucine.
Molecular consequence: missense variant.
Genome position (GRCh38, 1-based): chr7:83,162,415, T>A on the plus strand (A>T on the coding strand, the complement: PCLO is on the minus strand). VCF-style: chr7-83162415-T-A. GRCh37 (hg19) VCF-style: chr7-82791731-T-A.
Other names: c.178A>T, p.Met60Leu (NM_014510.3); short protein forms M60L.
Identifiers: ClinVar variation 1954321 (VCV001954321.2), dbSNP rs562460577, ClinGen allele CA4321742.

ClinVar aggregate classification (germline): Uncertain significance (1 of 4 stars; one submission).

gnomAD v4.1: 10 of 1,597,998 alleles (0.00063%); highest among the groups gnomAD compares: African/African-American, 0.012%; no homozygotes.

Submission:

Labcorp Genetics (formerly Invitae), Labcorp
Classification: Uncertain significance. Last evaluated: 2022-04-01. Review status: criteria provided, single submitter. Criteria: Invitae Variant Classification Sherloc (09022015). Collection method: clinical testing. Allele origin: germline.
Comment: This sequence change replaces methionine, which is neutral and non-polar, with leucine, which is neutral and non-polar, at codon 60 of the PCLO protein (p.Met60Leu). This variant is present in population databases (rs562460577, gnomAD 0.005%). This variant has not been reported in the literature in individuals affected with PCLO-related conditions. Algorithms developed to predict the effect of missense changes on protein structure and function output the following: SIFT: "Tolerated"; PolyPhen-2: "Not Available"; Align-GVGD: "Class C0". The leucine amino acid residue is found in multiple mammalian species, which suggests that this missense change does not adversely affect protein function. In summary, the available evidence is currently insufficient to determine the role of this variant in disease. Therefore, it has been classified as a Variant of Uncertain Significance.